The following is an entry in ClinVar:

NM_001035.3(RYR2):c.13456G>A (p.Ala4486Thr)

Gene: RYR2 (ryanodine receptor 2; plus strand). Cytogenetic location: 1q43.
Variant type: single nucleotide variant.
Coding change: c.13456G>A on transcript NM_001035.3 (MANE Select); coding-DNA position 13456, G replaced by A.
Protein change: p.Ala4486Thr; replaces alanine 4486 with threonine.
Molecular consequence: missense variant.
Genome position (GRCh38, 1-based): chr1:237,788,115, G>A. VCF-style: chr1-237788115-G-A. GRCh37 (hg19) VCF-style: chr1-237951415-G-A.
Other names: c.13456G>A (NM_001035.2); short protein forms A4486T.
Identifiers: ClinVar variation 3385863 (VCV003385863.5).

ClinVar aggregate classification (germline): Uncertain significance. Review status: criteria provided, multiple submitters, no conflicts (2 of 4 stars). 4 submissions from 4 submitters: Uncertain significance (4). Last evaluated 2026-07-07.

Conditions:
Cardiovascular phenotype. Identifiers: MedGen CN230736.
Catecholaminergic polymorphic ventricular tachycardia 1. Also called: VENTRICULAR TACHYCARDIA, STRESS-INDUCED POLYMORPHIC 1; VENTRICULAR TACHYCARDIA, CATECHOLAMINERGIC POLYMORPHIC, 1, WITH OR WITHOUT ATRIAL DYSFUNCTION AND/OR DILATED CARDIOMYOPATHY; RYR2-Related Catecholaminergic Polymorphic Ventricular Tachycardia. Identifiers: Orphanet 3286, MedGen C1631597, MONDO:0011484, OMIM 604772.
Cardiomyopathy (CMYO). Also called: Cardiomyopathies. Identifiers: Orphanet 167848, MedGen C0878544, MONDO:0004994, HP:0001638. Inheritance: Various modes of inheritance.
Catecholaminergic polymorphic ventricular tachycardia (CVPT). Also called: Catecholamine-induced polymorphic ventricular tachycardia. Identifiers: Orphanet 3286, MedGen C5574922, MONDO:0017990.

gnomAD v4.1: 1 of 1,610,998 alleles (0.000062%); highest among the groups gnomAD compares: Admixed American, 0.0017%; no homozygotes.

Submissions (4):

Ambry Genetics
Classification: Uncertain significance for Cardiovascular phenotype. Last evaluated: 2026-07-07. Review status: criteria provided, single submitter. Criteria: Ambry Variant Classification Scheme 2023. Collection method: clinical testing. Allele origin: germline.
Comment: The p.A4486T variant (also known as c.13456G>A), located in coding exon 92 of the RYR2 gene, results from a G to A substitution at nucleotide position 13456. The alanine at codon 4486 is replaced by threonine, an amino acid with similar properties. This amino acid position is conserved. In addition, the in silico prediction for this alteration is inconclusive. Based on the available evidence, the clinical significance of this variant remains unclear.

Color Diagnostics, LLC DBA Color Health
Classification: Uncertain significance for Cardiomyopathy. Last evaluated: 2025-11-03. Review status: criteria provided, single submitter. Criteria: ACMG Guidelines, 2015. Collection method: clinical testing. Allele origin: germline.
Comment: This missense variant replaces alanine with threonine at codon 4486 of the RYR2 protein. Computational prediction is inconclusive regarding the impact of this variant on protein structure and function. To our knowledge, functional studies have not been reported for this variant. This variant has not been reported in individuals affected with RYR2-related disorders in the literature. This variant has been identified in 1/152158 chromosomes in the general population by the Genome Aggregation Database (gnomAD). The available evidence is insufficient to determine the role of this variant in disease conclusively. Therefore, this variant is classified as a Variant of Uncertain Significance.

Labcorp Genetics (formerly Invitae), Labcorp
Classification: Uncertain significance for Catecholaminergic polymorphic ventricular tachycardia 1. Last evaluated: 2024-08-28. Review status: criteria provided, single submitter. Criteria: Invitae Variant Classification Sherloc (09022015). Collection method: clinical testing. Allele origin: germline.
Comment: This sequence change replaces alanine, which is neutral and non-polar, with threonine, which is neutral and polar, at codon 4486 of the RYR2 protein (p.Ala4486Thr). This variant is not present in population databases (gnomAD no frequency). This variant has not been reported in the literature in individuals affected with RYR2-related conditions. Invitae Evidence Modeling of protein sequence and biophysical properties (such as structural, functional, and spatial information, amino acid conservation, physicochemical variation, residue mobility, and thermodynamic stability) indicates that this missense variant is not expected to disrupt RYR2 protein function with a negative predictive value of 95%. In summary, the available evidence is currently insufficient to determine the role of this variant in disease. Therefore, it has been classified as a Variant of Uncertain Significance.

All of Us Research Program, National Institutes of Health
Classification: Uncertain significance for Catecholaminergic polymorphic ventricular tachycardia. Last evaluated: 2024-03-05. Review status: criteria provided, single submitter. Criteria: ACMG Guidelines, 2015. Collection method: clinical testing. Allele origin: germline. Inheritance: Autosomal dominant inheritance. Observed: 1 variant allele, 1 heterozygote.
Comment: This study involves interpretation of variants in research participants for the purpose of population health screening. Participant phenotype was not available at the time of variant classification. Additional details can be found in publication PMID: 35346344, PMCID: PMC8962531